The following is an entry in ClinVar:

NM_004360.5(CDH1):c.482T>A (p.Ile161Asn)

Gene: CDH1 (cadherin 1; plus strand). Cytogenetic location: 16q22.1.
Variant type: single nucleotide variant.
Coding change: c.482T>A on transcript NM_004360.5 (MANE Select); coding-DNA position 482, T replaced by A.
Protein change: p.Ile161Asn; replaces isoleucine 161 with asparagine.
Molecular consequence: missense variant. On other transcripts: 5 prime UTR variant (2).
Genome position (GRCh38, 1-based): chr16:68,808,518, T>A. VCF-style: chr16-68808518-T-A. GRCh37 (hg19) VCF-style: chr16-68842421-T-A.
Other names: c.482T>A, p.Ile161Asn (NM_001317184.2); c.-1134T>A (NM_001317185.2); c.-1338T>A (NM_001317186.2); short protein forms I161N.
Identifiers: ClinVar variation 3657525 (VCV003657525.2).
Genomic context (GRCh38, chr16:68,808,518, plus strand): 5'-CATTTCCCAACTCCTCTCCTGGCCTCAGAAGACAGAAGAGAGACTGGGTTATTCCTCCCA[T>A]CAGCTGCCCAGAAAATGAAAAAGGCCCATTTCCTAAAAACCTGGTTCAGGTAGAGAAAGA-3'
Protein context (NP_004351.1, residues 151-171): RQKRDWVIPP[Ile161Asn]SCPENEKGPF

ClinVar aggregate classification (germline): Uncertain significance (1 of 4 stars; one submission).

Conditions:
Hereditary diffuse gastric adenocarcinoma (HDGC). Also called: DIFFUSE GASTRIC AND LOBULAR BREAST CANCER SYNDROME. Identifiers: Orphanet 26106, MedGen C1708349, MONDO:0007648, OMIM 137215.

Submission:

Labcorp Genetics (formerly Invitae), Labcorp
Classification: Uncertain significance for Hereditary diffuse gastric adenocarcinoma. Last evaluated: 2024-06-23. Review status: criteria provided, single submitter. Criteria: Invitae Variant Classification Sherloc (09022015). Collection method: clinical testing. Allele origin: germline.
Comment: This sequence change replaces isoleucine, which is neutral and non-polar, with asparagine, which is neutral and polar, at codon 161 of the CDH1 protein (p.Ile161Asn). This variant is not present in population databases (gnomAD no frequency). This variant has not been reported in the literature in individuals affected with CDH1-related conditions. An algorithm developed to predict the effect of missense changes on protein structure and function (PolyPhen-2) suggests that this variant is likely to be disruptive. In summary, the available evidence is currently insufficient to determine the role of this variant in disease. Therefore, it has been classified as a Variant of Uncertain Significance.